The following is an entry in ClinVar:

ClinVar aggregate classification (germline): Conflicting classifications of pathogenicity. Review status: criteria provided, conflicting classifications (1 of 4 stars). 6 submissions from 6 submitters: Uncertain significance (5); Likely benign (1). Last evaluated 2024-07-04.

Conditions:
Hereditary breast ovarian cancer syndrome. Also called: Hereditary breast and/or ovarian cancer syndrome; BRCA1- and BRCA2-Associated Hereditary Breast and Ovarian Cancer; Breast and ovarian cancer; Hereditary breast and ovarian cancer; Hereditary breast and ovarian cancer syndrome; Hereditary breast and ovarian cancer syndrome (HBOC). Identifiers: Orphanet 145, MedGen C0677776, MeSH D061325, MONDO:0003582. Disease mechanism: loss of function.
Hereditary cancer-predisposing syndrome. Also called: Hereditary neoplastic syndrome; Tumor predisposition; Hereditary Cancer Syndrome; Neoplastic Syndromes, Hereditary. Identifiers: Orphanet 140162, MedGen C0027672, MeSH D009386, MONDO:0015356.

Allele frequency attached by ClinVar (database versions not stated): gnomAD exomes below 0.00001; ExAC 0.00001.
gnomAD v4.1: 1 of 1,612,456 alleles (0.000062%); highest among the groups gnomAD compares: East Asian, 0.0022%; no homozygotes.

Submissions (6):

Quest Diagnostics Nichols Institute San Juan Capistrano
Classification: Uncertain significance. Last evaluated: 2024-07-04. Review status: criteria provided, single submitter. Criteria: Quest Diagnostics criteria. Collection method: clinical testing. Allele origin: unknown.
Comment: The BRCA2 c.2951A>G (p.Glu984Gly) variant has been reported in the published literature in individuals with breast cancer (PMID: 33113089 (2021), 33471991 (2021), see also LOVD). This variant has also been identified in a reportedly healthy individual (PMID: 33471991 (2021), see also LOVD). In addition, this variant is located in region of the BRCA2 gene that is tolerant to missense sequence changes (PMID: 31911673 (2020)). The frequency of this variant in the general population, 0.000004 (1/248532 chromosomes (Genome Aggregation Database)), is uninformative in the assessment of its pathogenicity. Analysis of this variant using bioinformatics tools for the prediction of the effect of amino acid changes on protein structure and function yielded predictions that this variant is benign. Based on the available information, we are unable to determine the clinical significance of this variant.

Ambry Genetics
Classification: Uncertain significance for Hereditary cancer-predisposing syndrome. Last evaluated: 2023-08-31. Review status: criteria provided, single submitter. Criteria: Ambry Variant Classification Scheme 2023. Collection method: clinical testing. Allele origin: germline.
Comment: The p.E984G variant (also known as c.2951A>G), located in coding exon 10 of the BRCA2 gene, results from an A to G substitution at nucleotide position 2951. The glutamic acid at codon 984 is replaced by glycine, an amino acid with similar properties. This alteration was identified in an individual diagnosed with breast cancer (Lattimore V et al. Breast Cancer Res Treat, 2021 Feb;185:583-590). This amino acid position is poorly conserved in available vertebrate species. In addition, this alteration is predicted to be tolerated by in silico analysis. Since supporting evidence is limited at this time, the clinical significance of this alteration remains unclear.

University of Washington Department of Laboratory Medicine, University of Washington
Classification: Likely benign for Hereditary cancer-predisposing syndrome. Last evaluated: 2023-03-23. Review status: criteria provided, single submitter. Criteria: Dines et al. (Genet Med. 2020). Collection method: curation. Allele origin: germline.
Comment: Missense variant in a coldspot region where missense variants are very unlikely to be pathogenic (PMID:31911673).

BRCA2 exon 11 coldspot. Reclassification based on statistical prior probability.

Sema4
Classification: Uncertain significance for Hereditary cancer-predisposing syndrome. Last evaluated: 2021-04-21. Review status: criteria provided, single submitter. Criteria: Sema4 Curation Guidelines. Collection method: curation. Allele origin: germline.
Comment: The BRCA2 c.2951A>G (p.E984G) variant has been reported in heterozygosity in at least one individual with breast cancer (DOI: 10.29058/mjwbs.798994) as well as one individual from a healthy control population (PMID: 33471991). It was observed in 1/18286 chromosomes of the East Asian subpopulation in the large and broad cohorts of the Genome Aggregation Database. The variant has been reported in ClinVar (Variation ID 495446). In silico tools suggest the impact of the variant on protein function is benign, though these predictions have not been confirmed by functional studies. The evidence is insufficient to meet ACMG/AMP criteria for classifying the variant as benign or pathogenic. Thus, the clinical significance of this variant is currently uncertain.

Labcorp Genetics (formerly Invitae), Labcorp
Classification: Uncertain significance for Hereditary breast ovarian cancer syndrome. Last evaluated: 2021-03-09. Review status: criteria provided, single submitter. Criteria: Invitae Variant Classification Sherloc (09022015). Collection method: clinical testing. Allele origin: germline.
Comment: This variant has been observed in individual(s) with breast cancer (PMID: 30415210). ClinVar contains an entry for this variant (Variation ID: 495446). This sequence change replaces glutamic acid with glycine at codon 984 of the BRCA2 protein (p.Glu984Gly). The glutamic acid residue is weakly conserved and there is a moderate physicochemical difference between glutamic acid and glycine. This variant is present in population databases (rs767964776, ExAC 0.01%). Advanced modeling of protein sequence and biophysical properties (such as structural, functional, and spatial information, amino acid conservation, physicochemical variation, residue mobility, and thermodynamic stability) performed at Invitae indicates that this missense variant is not expected to disrupt BRCA2 protein function. In summary, the available evidence is currently insufficient to determine the role of this variant in disease. Therefore, it has been classified as a Variant of Uncertain Significance.

Women's Health and Genetics/Laboratory Corporation of America, LabCorp
Classification: Uncertain significance. Last evaluated: 2016-12-01. Review status: criteria provided, single submitter. Criteria: LabCorp Variant Classification Summary - May 2015. Collection method: clinical testing. Allele origin: germline.
Comment: Variant summary: The BRCA2 c.2951A>G (p.Glu984Gly) variant involves the alteration of a non-conserved nucleotide. 3/4 in silico tools predict a benign outcome for this substitution (SNPs&GO not captured due to low reliability index). This variant was found in 1/120290 control chromosomes at a frequency of 0.0000083, which does not exceed the estimated maximal expected allele frequency of a pathogenic BRCA2 variant (0.0007503). The variant of interest has not, to our knowledge, been reported in affected individuals via publications nor evaluated for functional impact by in vivo/vitro studies. Because of the absence of clinical information and the lack of functional studies, the variant is classified as a variant of uncertain significance (VUS) until additional information becomes available.

Literature cited by the submitters: PubMed 33113089 (cited by Quest Diagnostics Nichols Institute San Juan Capistrano and Ambry Genetics); PubMed 33471991 (cited by Quest Diagnostics Nichols Institute San Juan Capistrano and Sema4); PubMed 31911673 (cited by Quest Diagnostics Nichols Institute San Juan Capistrano); PubMed 30415210 (cited by Labcorp Genetics (formerly Invitae), Labcorp).

NM_000059.4(BRCA2):c.2951A>G (p.Glu984Gly)

Gene: BRCA2 (BRCA2 DNA repair associated; plus strand). Cytogenetic location: 13q13.1.
Variant type: single nucleotide variant.
Coding change: c.2951A>G on transcript NM_000059.4 (MANE Select); coding-DNA position 2951, A replaced by G.
Protein change: p.Glu984Gly; replaces glutamic acid 984 with glycine.
Molecular consequence: missense variant.
Genome position (GRCh38, 1-based): chr13:32,337,306, A>G. VCF-style: chr13-32337306-A-G. GRCh37 (hg19) VCF-style: chr13-32911443-A-G.
Other names: short protein forms E984G.
Identifiers: ClinVar variation 495446 (VCV000495446.14), dbSNP rs767964776, ClinGen allele CA6940647.
Genomic context (GRCh38, chr13:32,337,306, plus strand): 5'-AAATGACTCTAGGTCAAGATTTAAAATCGGACATCTCCTTGAATATAGATAAAATACCAG[A>G]AAAAAATAATGATTACATGAACAAATGGGCAGGACTCTTAGGTCCAATTTCAAATCACAG-3'
Protein context (NP_000050.3, residues 974-994): DISLNIDKIP[Glu984Gly]KNNDYMNKWA